The following is an entry in ClinVar:

NM_000179.3(MSH6):c.2041C>T (p.Leu681Phe)

Gene: MSH6 (mutS homolog 6; plus strand). Cytogenetic location: 2p16.3.
Variant type: single nucleotide variant.
Coding change: c.2041C>T on transcript NM_000179.3 (MANE Select); coding-DNA position 2041, C replaced by T.
Protein change: p.Leu681Phe; replaces leucine 681 with phenylalanine.
Molecular consequence: missense variant.
Genome position (GRCh38, 1-based): chr2:47,800,024, C>T. VCF-style: chr2-47800024-C-T. GRCh37 (hg19) VCF-style: chr2-48027163-C-T.
Other names: c.1651C>T, p.Leu551Phe (NM_001281492.2); c.1135C>T, p.Leu379Phe (NM_001281493.2, NM_001281494.2); short protein forms L681F, L379F, L551F.
Identifiers: ClinVar variation 485871 (VCV000485871.13), dbSNP rs1553413412, ClinGen allele CA346750745.

ClinVar aggregate classification (germline): Uncertain significance. Review status: criteria provided, multiple submitters, no conflicts (2 of 4 stars). 3 submissions from 3 submitters: Uncertain significance (3). Last evaluated 2024-06-26.

Conditions:
Hereditary nonpolyposis colorectal neoplasms. Identifiers: MedGen C0009405, MeSH D003123.
Hereditary cancer-predisposing syndrome. Also called: Tumor predisposition; Hereditary Cancer Syndrome; Neoplastic Syndromes, Hereditary; Hereditary neoplastic syndrome. Identifiers: Orphanet 140162, MedGen C0027672, MeSH D009386, MONDO:0015356.

Submissions (3):

Labcorp Genetics (formerly Invitae), Labcorp
Classification: Uncertain significance for Hereditary nonpolyposis colorectal neoplasms. Last evaluated: 2024-06-26. Review status: criteria provided, single submitter. Criteria: Invitae Variant Classification Sherloc (09022015). Collection method: clinical testing. Allele origin: germline.
Comment: This sequence change replaces leucine, which is neutral and non-polar, with phenylalanine, which is neutral and non-polar, at codon 681 of the MSH6 protein (p.Leu681Phe). This variant is not present in population databases (gnomAD no frequency). This missense change has been observed in individual(s) with breast cancer (PMID: 35449176). ClinVar contains an entry for this variant (Variation ID: 485871). Advanced modeling of protein sequence and biophysical properties (such as structural, functional, and spatial information, amino acid conservation, physicochemical variation, residue mobility, and thermodynamic stability) performed at Invitae indicates that this missense variant is not expected to disrupt MSH6 protein function with a negative predictive value of 95%. In summary, the available evidence is currently insufficient to determine the role of this variant in disease. Therefore, it has been classified as a Variant of Uncertain Significance.

Ambry Genetics
Classification: Uncertain significance for Hereditary cancer-predisposing syndrome. Last evaluated: 2024-05-23. Review status: criteria provided, single submitter. Criteria: Ambry Variant Classification Scheme 2023. Collection method: clinical testing. Allele origin: germline.
Comment: The p.L681F variant (also known as c.2041C>T), located in coding exon 4 of the MSH6 gene, results from a C to T substitution at nucleotide position 2041. The leucine at codon 681 is replaced by phenylalanine, an amino acid with highly similar properties. This amino acid position is highly conserved in available vertebrate species. In addition, the in silico prediction for this alteration is inconclusive. Based on the available evidence, the clinical significance of this variant remains unclear.

Blueprint Genetics
Classification: Uncertain significance. Last evaluated: 2023-05-24. Review status: criteria provided, single submitter. Criteria: ACMG Guidelines, 2015. Collection method: clinical testing. Allele origin: germline.

Literature cited by the submitters: PubMed 35449176 (cited by Labcorp Genetics (formerly Invitae), Labcorp).